The following is an entry in ClinVar:

ClinVar aggregate classification (germline): Uncertain significance (1 of 4 stars; one submission).

Conditions:
MPI-congenital disorder of glycosylation. Also called: CDG Ib; MANNOSEPHOSPHATE ISOMERASE DEFICIENCY; PROTEIN-LOSING ENTEROPATHY-HEPATIC FIBROSIS SYNDROME; CONGENITAL DISORDER OF GLYCOSYLATION, TYPE Ib; MPI DEFICIENCY; MPI-CDG. Identifiers: Orphanet 79319, MedGen C1865145, MONDO:0011257, OMIM 602579.

Submission:

Myriad Genetics, Inc.
Classification: Uncertain significance for MPI-congenital disorder of glycosylation. Last evaluated: 2026-08-19. Review status: criteria provided, single submitter. Criteria: Myriad Autosomal Dominant, Autosomal Recessive and X-Linked Classification Criteria (2023). Collection method: clinical testing. Allele origin: unknown.
Comment: NM_002435.1(MPI):c.1127_1131del5ins3(T376Sfs*26) is a frameshift variant classified as a variant of uncertain significance in the context of congenital disorder of glycosylation, MPI-related. T376Sfs*26 has not been observed in cases with relevant disease. Relevant functional assessments of this variant are not available in the literature. T376Sfs*26 has not been observed in referenced population frequency databases. In summary, there is insufficient evidence to classify NM_002435.1(MPI):c.1127_1131del5ins3(T376Sfs*26) as pathogenic or benign. Please note: this variant was assessed in the context of healthy population screening.

NM_002435.3(MPI):c.1127_1131delinsGTG (p.Thr376fs)

Gene: MPI (mannose phosphate isomerase; plus strand). Cytogenetic location: 15q24.1.
Variant type: Indel.
Coding change: c.1127_1131delinsGTG on transcript NM_002435.3 (MANE Select); coding-DNA positions 1127 to 1131, CAGTA replaced by GTG.
Protein change: p.Thr376fs; shifts the reading frame from threonine 376.
Molecular consequence: frameshift variant. On other transcripts: 3 prime UTR variant (1).
Genome position (GRCh38, 1-based): chr15:74,897,585-74,897,589, CAGTA replaced by GTG. VCF-style: chr15-74897585-CAGTA-GTG. GRCh37 (hg19) VCF-style: chr15-75189926-CAGTA-GTG.
Other names: c.*54_*58delinsGTG (NM_001289155.2); c.977_981delinsGTG, p.Thr326fs (NM_001289156.2); c.944_948delinsGTG, p.Thr315fs (NM_001289157.2); c.1067_1071delinsGTG, p.Thr356fs (NM_001330372.2); short protein forms T315fs, T326fs, T376fs, T356fs.
Identifiers: ClinVar variation 5004856 (VCV005004856.1).